The following is an entry in ClinVar:

ClinVar aggregate classification (germline): Likely benign. Review status: criteria provided, multiple submitters, no conflicts (2 of 4 stars). 2 submissions from 2 submitters: Likely benign (2). Last evaluated 2025-10-19.

Allele frequency attached by ClinVar (database versions not stated): ESP Exome Variant Server 0.00016; TOPMed 0.00021; gnomAD 0.00022 and 0.00023; gnomAD exomes 0.00022 and 0.00023; 1000 Genomes Project 30x 0.00031; 1000 Genomes Project 0.00040; ExAC 0.00059.
gnomAD v4.1: 359 of 1,554,600 alleles (0.023%); highest among the groups gnomAD compares: Middle Eastern, 0.15%; no homozygotes.

Submissions (2):

Labcorp Genetics (formerly Invitae), Labcorp
Classification: Likely benign. Last evaluated: 2025-10-19. Review status: criteria provided, single submitter. Criteria: Invitae Variant Classification Sherloc (09022015). Collection method: clinical testing. Allele origin: germline.

CeGaT Center for Human Genetics Tuebingen
Classification: Likely benign. Last evaluated: 2025-10-01. Review status: criteria provided, single submitter. Criteria: CeGaT Center For Human Genetics Tuebingen Variant Classification Criteria Version 2. Collection method: clinical testing. Allele origin: germline. Affected: yes. Observed: 2 variant alleles.
Comment: ATP5F1D: BP4, BP7

NM_001687.5(ATP5F1D):c.183C>T (p.Pro61=)

Gene: ATP5F1D (ATP synthase F1 subunit delta; plus strand). Cytogenetic location: 19p13.3.
Variant type: single nucleotide variant.
Coding change: c.183C>T on transcript NM_001687.5 (MANE Select); coding-DNA position 183, C replaced by T.
Protein change: p.Pro61=; no amino-acid change (proline 61 retained).
Molecular consequence: synonymous variant.
Genome position (GRCh38, 1-based): chr19:1,242,497, C>T. VCF-style: chr19-1242497-C-T. GRCh37 (hg19) VCF-style: chr19-1242496-C-T.
Other names: c.183C>T, p.Pro61= (NM_001001975.2).
Identifiers: ClinVar variation 1682808 (VCV001682808.32), dbSNP rs373064475, ClinGen allele CA9040233.